The following is an entry in ClinVar:

NM_025150.5(TARS2):c.1197A>G (p.Thr399=)

Gene: TARS2 (threonyl-tRNA synthetase 2, mitochondrial; plus strand). Cytogenetic location: 1q21.2.
Variant type: single nucleotide variant.
Coding change: c.1197A>G on transcript NM_025150.5 (MANE Select); coding-DNA position 1197, A replaced by G.
Protein change: p.Thr399=; no amino-acid change (threonine 399 retained).
Molecular consequence: synonymous variant. On other transcripts: non-coding transcript variant (2).
Genome position (GRCh38, 1-based): chr1:150,497,706, A>G. VCF-style: chr1-150497706-A-G. GRCh37 (hg19) VCF-style: chr1-150470182-A-G.
Other names: p.Thr399=; c.951A>G, p.Thr317= (NM_001271895.2); c.807A>G, p.Thr269= (NM_001271896.2).
Identifiers: ClinVar variation 380197 (VCV000380197.16), dbSNP rs115388015, ClinGen allele CA1076938.

ClinVar aggregate classification (germline): Benign. Review status: criteria provided, multiple submitters, no conflicts (2 of 4 stars). 5 submissions from 5 submitters: Benign (4). 1 of the submissions does not count toward it. Last evaluated 2026-01-28.

Conditions:
TARS2-related disorder. Also called: TARS2-related condition.

Allele frequency attached by ClinVar (database versions not stated): ExAC 0.00469; gnomAD 0.01397 and 0.01495; TOPMed 0.01499; ESP Exome Variant Server 0.01638; 1000 Genomes Project 0.01657; 1000 Genomes Project 30x 0.01811.
gnomAD v4.1: 4,207 of 1,614,142 alleles (0.26%); highest among the groups gnomAD compares: African/African-American, 4.9%; 99 homozygotes.

Submissions (5):

Labcorp Genetics (formerly Invitae), Labcorp
Classification: Benign. Last evaluated: 2026-01-28. Review status: criteria provided, single submitter. Criteria: Invitae Variant Classification Sherloc (09022015). Collection method: clinical testing. Allele origin: germline.

Mayo Clinic Laboratories, Mayo Clinic
Classification: Benign. Last evaluated: 2019-10-28. Review status: criteria provided, single submitter. Criteria: ACMG Guidelines, 2015. Collection method: clinical testing. Allele origin: germline. Observed: 15 variant alleles.

GeneDx
Classification: Benign. Last evaluated: 2016-03-24. Review status: criteria provided, single submitter. Criteria: GeneDx Variant Classification (06012015). Collection method: clinical testing. Allele origin: germline. Affected: yes.
Comment: This variant is considered likely benign or benign based on one or more of the following criteria: it is a conservative change, it occurs at a poorly conserved position in the protein, it is predicted to be benign by multiple in silico algorithms, and/or has population frequency not consistent with disease.

Breakthrough Genomics
Classification: Benign. Review status: criteria provided, single submitter. Criteria: ACMG Guidelines, 2015. Collection method: not provided. Allele origin: germline. Inheritance: Autosomal recessive inheritance. Affected: yes.

PreventionGenetics, part of Exact Sciences
Classification: Benign for TARS2-related condition. Last evaluated: 2020-01-09. Review status: no assertion criteria provided. Collection method: clinical testing. Allele origin: germline. Not counted in ClinVar's aggregate classification.
Comment: This variant is classified as benign based on ACMG/AMP sequence variant interpretation guidelines (Richards et al. 2015 PMID: 25741868, with internal and published modifications).